The following is an entry in ClinVar:

NM_007294.4(BRCA1):c.98_103del (p.Glu33_Pro34del)

Gene: BRCA1 (BRCA1 DNA repair associated; minus strand). Cytogenetic location: 17q21.31.
Variant type: Deletion.
Coding change: c.98_103del on transcript NM_007294.4 (MANE Select); coding-DNA positions 98 to 103, 6 bases deleted (AACCTG; older notation c.98_103delAACCTG).
Protein change: p.Glu33_Pro34del.
Molecular consequence: inframe deletion. On other transcripts: inframe indel (194), non-coding transcript variant (1), intron variant (1).
Genome position (GRCh38, 1-based): chr17:43,115,757-43,115,762, CAGGTT deleted on the plus strand (AACCTG on the coding strand, the reverse complement: BRCA1 is on the minus strand); deleting any 6 consecutive bases within chr17:43,115,757-43,115,763 gives the same sequence; the c. name uses the placement nearest the transcript's 3' end. VCF-style (leftmost placement, unchanged base first): chr17-43115756-ACAGGTT-A. GRCh37 (hg19) VCF-style: chr17-41267773-ACAGGTT-A.
Other names: c.97_102delGAACCT, p.Glu33_Pro34del (NM_001408474.1, NM_001408475.1, NM_001408476.1 and 191 more transcripts); c.-92_-87delGAACCT (NM_001408478.1, NM_001408479.1, NM_001408480.1 and 52 more transcripts); c.-45_-40delGAACCT (NM_001408497.1, NM_001408499.1, NM_001408500.1 and 47 more transcripts); c.-207_-202delGAACCT (NM_001408512.1, NM_001408510.1, NM_001407960.1 and 1 more transcripts); c.-161_-156delGAACCT (NM_001408501.1, NM_001407694.1, NM_001407696.1 and 13 more transcripts); c.-208_-203delGAACCT (NM_001408492.1, NM_001407889.1, NM_001407900.1); c.-165_-160delGAACCT (NM_001407695.1, NM_001408465.1); c.-41_-36delGAACCT (NM_001407841.1); and 3 more.
Identifiers: ClinVar variation 1171212 (VCV001171212.3), dbSNP rs2154565687, ClinGen allele CA2499224633.

ClinVar aggregate classification (germline): Uncertain significance (1 of 4 stars; one submission).

Conditions:
Hereditary cancer-predisposing syndrome. Also called: Tumor predisposition; Hereditary neoplastic syndrome; Hereditary Cancer Syndrome; Neoplastic Syndromes, Hereditary. Identifiers: Orphanet 140162, MedGen C0027672, MeSH D009386, MONDO:0015356.

Submission:

Color Diagnostics, LLC DBA Color Health
Classification: Uncertain significance for Hereditary cancer-predisposing syndrome. Last evaluated: 2020-12-07. Review status: criteria provided, single submitter. Criteria: ACMG Guidelines, 2015. Collection method: clinical testing. Allele origin: germline.
Comment: This variant causes an in-frame deletion of two conserved amino acids, p.Glu33_Pro34del, in the BRCA1 protein (PMID: 12519945, 22908213). To our knowledge, functional studies have not been reported for this variant. However, some substitutions in proline 34 have been reported as loss-of-function in a human haploid cell proliferation assay (PMID; 30209399). This variant has not been reported in individuals affected with hereditary cancer in the literature. This variant has not been identified in the general population by the Genome Aggregation Database (gnomAD). The available evidence is insufficient to determine the role of this variant in disease conclusively. Therefore, this variant is classified as a Variant of Uncertain Significance.